The following is an entry in ClinVar:

ClinVar aggregate classification (germline): Likely benign. Review status: criteria provided, multiple submitters, no conflicts (2 of 4 stars). 3 submissions from 3 submitters: Likely benign (3). Last evaluated 2026-09-01.

Conditions:
Cardiovascular phenotype. Identifiers: MedGen CN230736.

Allele frequency attached by ClinVar (database versions not stated): gnomAD exomes below 0.00001; gnomAD 0.00001; ExAC 0.00003; TOPMed 0.00003; ESP Exome Variant Server 0.00028.
gnomAD v4.1: 6 of 1,211,008 alleles (0.0005%); highest among the groups gnomAD compares: African/African-American, 0.0087%; no homozygotes.

Submissions (3):

CeGaT Center for Human Genetics Tuebingen
Classification: Likely benign. Last evaluated: 2026-09-01. Review status: criteria provided, single submitter. Criteria: CeGaT Center For Human Genetics Tuebingen Variant Classification Criteria Version 2. Collection method: clinical testing. Allele origin: germline. Affected: yes. Observed: 1 variant allele.
Comment: BGN: BP4, BP7

Labcorp Genetics (formerly Invitae), Labcorp
Classification: Likely benign. Last evaluated: 2025-11-18. Review status: criteria provided, single submitter. Criteria: Invitae Variant Classification Sherloc (09022015). Collection method: clinical testing. Allele origin: germline.

Ambry Genetics
Classification: Likely benign for Cardiovascular phenotype. Last evaluated: 2020-10-23. Review status: criteria provided, single submitter. Criteria: Ambry Variant Classification Scheme 2023. Collection method: clinical testing. Allele origin: germline.

NM_001711.6(BGN):c.966C>T (p.Pro322=)

Gene: BGN (biglycan; plus strand). Cytogenetic location: Xq28.
Variant type: single nucleotide variant.
Coding change: c.966C>T on transcript NM_001711.6 (MANE Select); coding-DNA position 966, C replaced by T.
Protein change: p.Pro322=; no amino-acid change (proline 322 retained).
Molecular consequence: synonymous variant.
Genome position (GRCh38, 1-based): chrX:153,508,304, C>T. VCF-style: chrX-153508304-C-T. GRCh37 (hg19) VCF-style: chrX-152773762-C-T.
Identifiers: ClinVar variation 1767723 (VCV001767723.6), dbSNP rs141929620, ClinGen allele CA10547371.